The following is an entry in ClinVar:

NM_000038.6(APC):c.295_296insTTCC (p.Arg99fs)

Gene: APC (APC regulator of Wnt signaling pathway; plus strand). Cytogenetic location: 5q22.2.
Variant type: Insertion.
Coding change: c.295_296insTTCC on transcript NM_000038.6 (MANE Select); coding-DNA positions 295 to 296, TTCC inserted.
Protein change: p.Arg99fs; shifts the reading frame from arginine 99.
Molecular consequence: frameshift variant. On other transcripts: 5 prime UTR variant (1).
Genome position: GRCh38 VCF-style: chr5-112767261-G-GCCTT. GRCh37 (hg19) VCF-style: chr5-112102958-G-GCCTT.
Other names: c.295_296insTTCC, p.Arg99fs (NM_001127510.3, NM_001354895.2, NM_001354896.2 and 2 more transcripts); c.325_326insTTCC, p.Arg109fs (NM_001127511.3, NM_001354897.2, NM_001354902.2); c.220_221insTTCC, p.Arg74fs (NM_001354898.2, NM_001354904.2); c.118_119insTTCC, p.Arg40fs (NM_001354900.2, NM_001354901.2, NM_001354905.2); c.-741_-740insTTCC (NM_001354906.2, NM_001407470.1, NM_001407471.1 and 1 more transcripts); c.325_326insTTCC, p.Arg109Leufs (NM_001407446.1); c.295_296insTTCC, p.Arg99Leufs (NM_001407447.1, NM_001407448.1, NM_001407449.1 and 11 more transcripts); c.220_221insTTCC, p.Arg74Leufs (NM_001407451.1); and 1 more; short protein forms R40fs, R99fs, R109fs, R74fs.
Identifiers: ClinVar variation 1798052 (VCV001798052.2), dbSNP rs2532294443, ClinGen allele CA2580072380.
Genomic context (GRCh38, chr5:112,767,261, plus strand): 5'-ATAGCAGTAATTTCCCTGGAGTAAAACTGCGGTCAAAAATGTCCCTCCGTTCTTATGGAA[G>GCCTT]CCGGGAAGGATCTGTATCAAGCCGTTCTGGAGAGTGCAGTCCTGTTCCTATGGGTTCATT-3'

ClinVar aggregate classification (germline): Pathogenic (1 of 4 stars; one submission).

Conditions:
Hereditary cancer-predisposing syndrome. Also called: Neoplastic Syndromes, Hereditary; Tumor predisposition; Hereditary Cancer Syndrome; Hereditary neoplastic syndrome. Identifiers: Orphanet 140162, MedGen C0027672, MeSH D009386, MONDO:0015356.

Submission:

Ambry Genetics
Classification: Pathogenic for Hereditary cancer-predisposing syndrome. Last evaluated: 2021-09-29. Review status: criteria provided, single submitter. Criteria: Ambry Variant Classification Scheme 2023. Collection method: clinical testing. Allele origin: germline.
Comment: The c.295_296insTTCC pathogenic mutation, located in coding exon 3 of the APC gene, results from an insertion of 4 nucleotides at position 295, causing a translational frameshift with a predicted alternate stop codon (p.R99Lfs*41). This variant is considered to be rare based on population cohorts in the Genome Aggregation Database (gnomAD). This alteration is expected to result in loss of function by premature protein truncation or nonsense-mediated mRNA decay. As such, this alteration is interpreted as a disease-causing mutation.